The following is an entry in ClinVar:

ClinVar aggregate classification (germline): Conflicting classifications of pathogenicity. Review status: criteria provided, conflicting classifications (1 of 4 stars). 6 submissions from 6 submitters: Uncertain significance (4); Likely benign (1). 1 of the submissions does not count toward it. Last evaluated 2026-01-27.

Conditions:
Glycogen storage disease, type V (GSD5). Also called: MCARDLE DISEASE; MUSCLE GLYCOGEN PHOSPHORYLASE DEFICIENCY; MYOPHOSPHORYLASE DEFICIENCY; McArdle type glycogen storage disease; PYGM DEFICIENCY. Identifiers: Orphanet 368, MedGen C0017924, MONDO:0009293, OMIM 232600.

Allele frequency attached by ClinVar (database versions not stated): gnomAD exomes 0.00007 and 0.00020; TOPMed 0.00008; gnomAD 0.00009; ESP Exome Variant Server 0.00015; ExAC 0.00023.

Submissions (6):

Labcorp Genetics (formerly Invitae), Labcorp
Classification: Likely benign for Glycogen storage disease, type V. Last evaluated: 2026-01-27. Review status: criteria provided, single submitter. Criteria: Invitae Variant Classification Sherloc (09022015). Collection method: clinical testing. Allele origin: germline.

Fulgent Genetics
Classification: Uncertain significance for Glycogen storage disease, type V. Last evaluated: 2024-02-20. Review status: criteria provided, single submitter. Criteria: ACMG Guidelines, 2015. Collection method: clinical testing. Allele origin: germline.

Blueprint Genetics
Classification: Uncertain significance. Last evaluated: 2023-03-29. Review status: criteria provided, single submitter. Criteria: ACMG Guidelines, 2015. Collection method: clinical testing. Allele origin: germline.

GeneDx
Classification: Uncertain significance. Last evaluated: 2021-01-11. Review status: criteria provided, single submitter. Criteria: GeneDx Variant Classification Process June 2021. Collection method: clinical testing. Allele origin: germline. Affected: yes.
Comment: Has not been previously published as pathogenic or benign to our knowledge; Intronic +5 splice site variant in a gene for which loss-of-function is a known mechanism of disease, and splice predictors support a deleterious effect

Baylor Genetics
Classification: Uncertain significance for Glycogen storage disease, type V. Last evaluated: 2019-04-29. Review status: criteria provided, single submitter. Criteria: ACMG Guidelines, 2015. Collection method: clinical testing. Allele origin: maternal. Affected: yes.
Comment: This variant was determined to be of uncertain significance according to ACMG Guidelines, 2015 [PMID:25741868].

Natera, Inc.
Classification: Uncertain significance for Glycogen storage disease V. Last evaluated: 2020-04-14. Review status: no assertion criteria provided. Collection method: clinical testing. Allele origin: germline. Not counted in ClinVar's aggregate classification.

NM_005609.4(PYGM):c.1403+5G>A

Gene: PYGM (glycogen phosphorylase, muscle associated; minus strand). Cytogenetic location: 11q13.1.
Variant type: single nucleotide variant.
Coding change: c.1403+5G>A on transcript NM_005609.4 (MANE Select); 5 bases into the intron after coding-DNA position 1403, G replaced by A.
Molecular consequence: intron variant.
Genome position (GRCh38, 1-based): chr11:64,753,514, C>T on the plus strand (G>A on the coding strand, the complement: PYGM is on the minus strand). VCF-style: chr11-64753514-C-T. GRCh37 (hg19) VCF-style: chr11-64520986-C-T.
Other names: c.1139+5G>A (NM_001164716.1).
Identifiers: ClinVar variation 992141 (VCV000992141.15), dbSNP rs373040789, ClinGen allele CA6079885.